The following is an entry in ClinVar:

NM_030653.4(DDX11):c.1060G>A (p.Gly354Arg)

Gene: DDX11 (DEAD/H-box helicase 11; plus strand). Cytogenetic location: 12p11.21.
Variant type: single nucleotide variant.
Coding change: c.1060G>A on transcript NM_030653.4 (MANE Select); coding-DNA position 1060, G replaced by A.
Protein change: p.Gly354Arg; replaces glycine 354 with arginine.
Molecular consequence: missense variant.
Genome position (GRCh38, 1-based): chr12:31,090,065, G>A. VCF-style: chr12-31090065-G-A. GRCh37 (hg19) VCF-style: chr12-31242999-G-A.
Other names: c.1060G>A, p.Gly354Arg (NM_001257144.2, NM_004399.3, NM_152438.2); c.982G>A, p.Gly328Arg (NM_001257145.2); short protein forms G328R, G354R.
Identifiers: ClinVar variation 1683965 (VCV001683965.4), dbSNP rs71230307, ClinGen allele CA6501077.

ClinVar aggregate classification (germline): Conflicting classifications of pathogenicity. Review status: criteria provided, conflicting classifications (1 of 4 stars). 2 submissions from 2 submitters: Likely pathogenic (1); Uncertain significance (1). Last evaluated 2025-09-05.

Allele frequency attached by ClinVar (database versions not stated): ExAC 0.00006; 1000 Genomes Project 0.10403.

Submissions (2):

Women's Health and Genetics/Laboratory Corporation of America, LabCorp
Classification: Uncertain significance. Last evaluated: 2025-09-05. Review status: criteria provided, single submitter. Criteria: LabCorp Variant Classification Summary - May 2015. Collection method: clinical testing. Allele origin: germline.
Comment: Variant summary: DDX11 c.1060G>A (p.Gly354Arg) results in a non-conservative amino acid change located in the Helicase-like, DEXD box c2 type domain (IPR006554) of the encoded protein sequence. Algorithms developed to predict the effect of missense changes on protein structure and function are either unavailable or do not agree on the potential impact of this missense change. The frequency data for this variant in gnomAD is considered unreliable, as metrics indicate poor data quality at this position. To our knowledge, no occurrence of c.1060G>A in individuals affected with DDX11-related conditions and no experimental evidence demonstrating its impact on protein function have been reported. ClinVar contains an entry for this variant (Variation ID: 1683965). Based on the evidence outlined above, the variant was classified as uncertain significance.

GeneDx
Classification: Likely pathogenic. Last evaluated: 2022-05-06. Review status: criteria provided, single submitter. Criteria: GeneDx Variant Classification Process June 2021. Collection method: clinical testing. Allele origin: germline. Affected: yes.
Comment: In silico analysis supports that this missense variant has a deleterious effect on protein structure/function; Has not been previously published as pathogenic or benign to our knowledge; Not observed at significant frequency in large population cohorts (gnomAD)